The following is an entry in ClinVar:

NM_000400.4(ERCC2):c.1A>G (p.Met1Val)

Gene: ERCC2 (ERCC excision repair 2, TFIIH core complex helicase subunit; minus strand). Cytogenetic location: 19q13.32.
Variant type: single nucleotide variant.
Coding change: c.1A>G on transcript NM_000400.4 (MANE Select); coding-DNA position 1, A replaced by G.
Protein change: p.Met1Val; changes the start codon (methionine 1).
Molecular consequence: missense variant, initiator codon variant. On other transcripts: 5 prime UTR variant (1).
Genome position (GRCh38, 1-based): chr19:45,370,540, T>C on the plus strand (A>G on the coding strand, the complement: ERCC2 is on the minus strand). VCF-style: chr19-45370540-T-C. GRCh37 (hg19) VCF-style: chr19-45873798-T-C.
Other names: c.-375A>G (NM_001130867.2); short protein forms M1V.
Identifiers: ClinVar variation 1683246 (VCV001683246.5), dbSNP rs757252017, ClinGen allele CA9513995.
Genomic context (GRCh38, chr19:45,370,540, plus strand): 5'-CATCTTCAAGACCCCCCGCGCCCGCTAGCGAGCGCGACCCCCAGCCCCCTTCTCACTTCA[T>C]GGCGCCGGCCGGACTGTGCAGCGGGGTCGACCCGCCTCCCTCATGAATATTCAGCGAGAG-3'
Protein context (NP_000391.1, residues 1-11): [Met1Val]KLNVDGLLVY

ClinVar aggregate classification (germline): Uncertain significance. Review status: criteria provided, multiple submitters, no conflicts (2 of 4 stars). 2 submissions from 2 submitters: Uncertain significance (2). Last evaluated 2025-12-15.

Allele frequency attached by ClinVar (database versions not stated): gnomAD 0.00001; gnomAD exomes 0.00002; ExAC 0.00004.

Submissions (2):

Labcorp Genetics (formerly Invitae), Labcorp
Classification: Uncertain significance. Last evaluated: 2025-12-15. Review status: criteria provided, single submitter. Criteria: Invitae Variant Classification Sherloc (09022015). Collection method: clinical testing. Allele origin: germline.
Comment: This sequence change affects the initiator codon of the ERCC2 mRNA. This change may impact translation initiation or efficiency. The next in-frame methionine is located at codon 25. This variant is present in population databases (rs757252017, gnomAD 0.01%). This variant has not been reported in the literature in individuals affected with ERCC2-related conditions. ClinVar contains an entry for this variant (Variation ID: 1683246). This variant disrupts a region of the ERCC2 protein in which other variant(s) (p.Ser23del) have been observed in individuals with ERCC2-related conditions (PMID: 20944642). This suggests that this is a clinically significant region of the protein, and that variants that disrupt it are likely to be disease-causing. In summary, the available evidence is currently insufficient to determine the role of this variant in disease. Therefore, it has been classified as a Variant of Uncertain Significance.

Women's Health and Genetics/Laboratory Corporation of America, LabCorp
Classification: Uncertain significance. Last evaluated: 2022-04-05. Review status: criteria provided, single submitter. Criteria: LabCorp Variant Classification Summary - May 2015. Collection method: clinical testing. Allele origin: germline.
Comment: Variant summary: ERCC2 c.1A>G (p.Met1?, aka p.Met1Val) alters the initiation codon and is predicted to result either in absence of the protein or truncation of the encoded protein due to translation initiation at a downstream codon. Two of four in-silico tools predict a benign effect of the variant on protein function. The variant allele was found at a frequency of 2.4e-05 in 210984 control chromosomes (gnomAD). The available data on variant occurrences in the general population are insufficient to allow any conclusion about variant significance. To our knowledge, no occurrence of c.1A>G in individuals affected with Xeroderma Pigmentosum and no experimental evidence demonstrating its impact on protein function have been reported. No clinical diagnostic laboratories have submitted clinical-significance assessments for this variant to ClinVar after 2014. Based on the evidence outlined above, the variant was classified as uncertain significance.

Literature cited by the submitters: PubMed 20944642 (cited by Labcorp Genetics (formerly Invitae), Labcorp).